The following is an entry in ClinVar:

ClinVar aggregate classification (germline): Uncertain significance (1 of 4 stars; one submission).

Allele frequency attached by ClinVar (database versions not stated): ExAC 0.00002; gnomAD 0.00002; TOPMed 0.00002; gnomAD exomes 0.00007.
gnomAD v4.1: 97 of 1,613,666 alleles (0.006%); highest among the groups gnomAD compares: Non-Finnish European, 0.0081%; no homozygotes.

Submission:

Ambry Genetics
Classification: Uncertain significance. Last evaluated: 2024-10-31. Review status: criteria provided, single submitter. Criteria: Ambry Variant Classification Scheme 2023. Collection method: clinical testing. Allele origin: germline.
Comment: The p.I2053V variant (also known as c.6157A>G), located in coding exon 19 of the POLQ gene, results from an A to G substitution at nucleotide position 6157. The isoleucine at codon 2053 is replaced by valine, an amino acid with highly similar properties. This amino acid position is conserved. In addition, this alteration is predicted to be tolerated by in silico analysis. Since supporting evidence is limited at this time, the clinical significance of this alteration remains unclear.

NM_199420.4(POLQ):c.6157A>G (p.Ile2053Val)

Gene: POLQ (DNA polymerase theta; minus strand). Cytogenetic location: 3q13.33.
Variant type: single nucleotide variant.
Coding change: c.6157A>G on transcript NM_199420.4 (MANE Select); coding-DNA position 6157, A replaced by G.
Protein change: p.Ile2053Val; replaces isoleucine 2053 with valine.
Molecular consequence: missense variant.
Genome position (GRCh38, 1-based): chr3:121,481,626, T>C on the plus strand (A>G on the coding strand, the complement: POLQ is on the minus strand). VCF-style: chr3-121481626-T-C. GRCh37 (hg19) VCF-style: chr3-121200473-T-C.
Other names: short protein forms I2053V.
Identifiers: ClinVar variation 1751911 (VCV001751911.3), dbSNP rs758186729, ClinGen allele CA2562554.